The following is an entry in ClinVar:

NM_001267550.2(TTN):c.46221C>T (p.Asp15407=)

Gene: TTN (titin; minus strand). Cytogenetic location: 2q31.2.
Variant type: single nucleotide variant.
Coding change: c.46221C>T on transcript NM_001267550.2 (MANE Select); coding-DNA position 46221, C replaced by T.
Protein change: p.Asp15407=; no amino-acid change (aspartic acid 15407 retained).
Molecular consequence: synonymous variant.
Genome position (GRCh38, 1-based): chr2:178,620,300, G>A on the plus strand (C>T on the coding strand, the complement: TTN is on the minus strand). VCF-style: chr2-178620300-G-A. GRCh37 (hg19) VCF-style: chr2-179485027-G-A.
Other names: c.41298C>T, p.Asp13766= (NM_001256850.1); c.19026C>T, p.Asp6342= (NM_003319.4); c.38517C>T, p.Asp12839= (NM_133378.4); c.19401C>T, p.Asp6467= (NM_133432.3); c.19602C>T, p.Asp6534= (NM_133437.4).
Identifiers: ClinVar variation 592898 (VCV000592898.22), dbSNP rs370808856, ClinGen allele CA1995285.

ClinVar aggregate classification (germline): Conflicting classifications of pathogenicity. Review status: criteria provided, conflicting classifications (1 of 4 stars). 5 submissions from 5 submitters: Uncertain significance (1); Likely benign (4). Last evaluated 2026-08-01.

Conditions:
Cardiovascular phenotype. Identifiers: MedGen CN230736.
Dilated cardiomyopathy 1G (CMD1G). Identifiers: Orphanet 154, MedGen C1858763, MONDO:0011400, OMIM 604145.
Autosomal recessive limb-girdle muscular dystrophy type 2J (LGMDR10). Also called: Limb-girdle muscular dystrophy, type 2J; MUSCULAR DYSTROPHY, LIMB-GIRDLE, AUTOSOMAL RECESSIVE 10. Identifiers: Orphanet 140922, MedGen C1837342, MONDO:0012127, OMIM 608807.
TTN-related disorder. Also called: TTN-related condition; TTN-related disease; TTN-related disorders.

Allele frequency attached by ClinVar (database versions not stated): ESP Exome Variant Server 0.00017; gnomAD 0.00003; TOPMed 0.00005.
gnomAD v4.1: 25 of 1,568,816 alleles (0.0016%); highest among the groups gnomAD compares: Admixed American, 0.022%; no homozygotes.

Submissions (5):

CeGaT Center for Human Genetics Tuebingen
Classification: Likely benign. Last evaluated: 2026-08-01. Review status: criteria provided, single submitter. Criteria: CeGaT Center For Human Genetics Tuebingen Variant Classification Criteria Version 2. Collection method: clinical testing. Allele origin: germline. Affected: yes. Observed: 2 variant alleles.
Comment: TTN: BP4, BP7

Labcorp Genetics (formerly Invitae), Labcorp
Classification: Likely benign for Dilated cardiomyopathy 1G; Autosomal recessive limb-girdle muscular dystrophy type 2J. Last evaluated: 2026-01-05. Review status: criteria provided, single submitter. Criteria: Invitae Variant Classification Sherloc (09022015). Collection method: clinical testing. Allele origin: germline.

PreventionGenetics, part of Exact Sciences
Classification: Likely benign for TTN-related condition. Last evaluated: 2025-12-10. Review status: criteria provided, single submitter. Criteria: ACMG Guidelines, 2015. Collection method: clinical testing. Allele origin: germline.
Comment: This variant is classified as likely benign based on ACMG/AMP sequence variant interpretation guidelines (Richards et al. 2015 PMID: 25741868, with internal and published modifications).

Ambry Genetics
Classification: Likely benign for Cardiovascular phenotype. Last evaluated: 2022-02-21. Review status: criteria provided, single submitter. Criteria: Ambry Variant Classification Scheme 2023. Collection method: clinical testing. Allele origin: germline.

Eurofins Ntd Llc (ga)
Classification: Uncertain significance. Last evaluated: 2018-02-23. Review status: criteria provided, single submitter. Criteria: EGL ClinVar v180209 classification definitions. Collection method: clinical testing. Allele origin: germline. Observed: 2 variant alleles, 2 heterozygotes.